The following is an entry in ClinVar:

ClinVar aggregate classification (germline): Likely benign (1 of 4 stars; one submission).

Allele frequency attached by ClinVar (database versions not stated): 1000 Genomes Project 30x 0.00453; 1000 Genomes Project 0.00479; gnomAD 0.00489 and 0.00533; TOPMed 0.00572.
gnomAD v4.1: 740 of 152,352 alleles (0.49%); highest among the groups gnomAD compares: African/African-American, 1.7%; 8 homozygotes.

Submission:

GeneDx
Classification: Likely benign. Last evaluated: 2021-12-20. Review status: criteria provided, single submitter. Criteria: GeneDx Variant Classification Process June 2021. Collection method: clinical testing. Allele origin: germline. Affected: yes.
Comment: See Variant Classification Assertion Criteria.

NM_000718.4(CACNA1B):c.4950-223G>A

Gene: CACNA1B (calcium voltage-gated channel subunit alpha1 B; plus strand). Cytogenetic location: 9q34.3.
Variant type: single nucleotide variant.
Coding change: c.4950-223G>A on transcript NM_000718.4 (MANE Select); 223 bases into the intron before coding-DNA position 4950, G replaced by A.
Genome position (GRCh38, 1-based): chr9:138,077,891, G>A. VCF-style: chr9-138077891-G-A. GRCh37 (hg19) VCF-style: chr9-140972343-G-A.
Other names: c.4950-223G>A (NM_001243812.2).
Identifiers: ClinVar variation 1691799 (VCV001691799.2), dbSNP rs77804401, ClinGen allele CA201863192.